The following is an entry in ClinVar:

ClinVar aggregate classification (germline): Pathogenic (1 of 4 stars; one submission).

Conditions:
Beck-Fahrner syndrome (BEFAHRS). Identifiers: Orphanet 684216, MedGen C5394097, MONDO:0032922, OMIM 618798.

Submission:

Victorian Clinical Genetics Services, Murdoch Childrens Research Institute
Classification: Pathogenic for Beck-Fahrner syndrome. Last evaluated: 2026-01-27. Review status: criteria provided, single submitter. Criteria: ACMG Guidelines, 2015. Collection method: clinical testing. Allele origin: germline. Affected: yes.
Comment: This variant is classified as Pathogenic. Evidence in support of pathogenic classification: Variant is predicted to cause nonsense-mediated decay (NMD) and loss of protein (premature termination codon is located at least 54 nucleotides upstream of the final exon-exon junction), but is located in an exon that may undergo alternative splicing; Variant is absent from gnomAD (v2, v3 and v4); Other NMD-predicted variants comparable to the one identified in this case have very strong previous evidence for pathogenicity (Decipher, ClinVar, PMID: 34719681, 31928709). Additional information: This variant is non-coding in an alternative transcript. This variant is located in exon 1, which undergoes alternative splicing in another transcript (UCSC); This variant is heterozygous; This gene is associated with both recessive and dominant disease; however, ClinGen currently have the autosomal recessive gene disease assoication rated as limited. There is currently no established genotype-phenotype correlation; however, null variants have only been reported in autosomal dominant families. It has also been noted that both monoallelic and biallelic probands are phenotypically similar (PMID: 31928709, 34719681); Dominant negative and loss of function are suggested mechanisms of disease in this gene and are associated with Beck-Fahrner syndrome (MIM#618798). In addition biallelic missense variants have been shown to be hypomorphic (PMID: 31928709); The condition associated with this gene has incomplete penetrance. In a biallelic family, carrier parents were reported to be clinically healthy (PMID: 34719681); Variants in this gene are known to have variable expressivity (OMIM, PMID: 37200470); Inheritance information for this variant is not currently available in this individual.

Literature cited by the submitters: PubMed 34719681; PubMed 31928709; PubMed 37200470.

NM_001287491.2(TET3):c.244C>T (p.Gln82Ter)

Gene: TET3 (tet methylcytosine dioxygenase 3; plus strand). Cytogenetic location: 2p13.1.
Variant type: single nucleotide variant.
Coding change: c.244C>T on transcript NM_001287491.2 (MANE Select); coding-DNA position 244, C replaced by T.
Protein change: p.Gln82Ter; replaces glutamine 82 with a stop codon.
Molecular consequence: nonsense.
Genome position (GRCh38, 1-based): chr2:73,986,647, C>T. VCF-style: chr2-73986647-C-T. GRCh37 (hg19) VCF-style: chr2-74213774-C-T.
Other names: short protein forms Q82*.
Identifiers: ClinVar variation 3376875 (VCV003376875.1).